The following is an entry in ClinVar:

ClinVar aggregate classification (germline): Uncertain significance (1 of 4 stars; one submission).

Submission:

Labcorp Genetics (formerly Invitae), Labcorp
Classification: Uncertain significance. Last evaluated: 2025-10-21. Review status: criteria provided, single submitter. Criteria: Invitae Variant Classification Sherloc (09022015). Collection method: clinical testing. Allele origin: germline.
Comment: This sequence change replaces tyrosine, which is neutral and polar, with cysteine, which is neutral and slightly polar, at codon 926 of the ITGAM protein (p.Tyr926Cys). This variant is not present in population databases (gnomAD no frequency). This variant has not been reported in the literature in individuals affected with ITGAM-related conditions. ClinVar contains an entry for this variant (Variation ID: 2107893). An algorithm developed to predict the effect of missense changes on protein structure and function (PolyPhen-2) suggests that this variant is likely to be disruptive. In summary, the available evidence is currently insufficient to determine the role of this variant in disease. Therefore, it has been classified as a Variant of Uncertain Significance.

NM_000632.4(ITGAM):c.2777A>G (p.Tyr926Cys)

Gene: ITGAM (integrin subunit alpha M; plus strand). Cytogenetic location: 16p11.2.
Variant type: single nucleotide variant.
Coding change: c.2777A>G on transcript NM_000632.4 (MANE Select); coding-DNA position 2777, A replaced by G.
Protein change: p.Tyr926Cys; replaces tyrosine 926 with cysteine.
Molecular consequence: missense variant.
Genome position (GRCh38, 1-based): chr16:31,328,215, A>G. VCF-style: chr16-31328215-A-G. GRCh37 (hg19) VCF-style: chr16-31339536-A-G.
Other names: c.2780A>G, p.Tyr927Cys (NM_001145808.2); short protein forms Y926C, Y927C.
Identifiers: ClinVar variation 2107893 (VCV002107893.4), dbSNP rs2544502810, ClinGen allele CA395696498.